The following is an entry in ClinVar:

ClinVar aggregate classification (germline): Uncertain significance. Review status: criteria provided, multiple submitters, no conflicts (2 of 4 stars). 2 submissions from 2 submitters: Uncertain significance (2). Last evaluated 2025-12-26.

Conditions:
Cardiovascular phenotype. Identifiers: MedGen CN230736.
Arrhythmogenic right ventricular dysplasia 10. Also called: Arrhythmogenic Right Ventricular Dysplasia/Cardiomyopathy10; ARRHYTHMOGENIC RIGHT VENTRICULAR DYSPLASIA, FAMILIAL, 10; Arrhythmogenic right ventricular dysplasia/cardiomyopathy, type 10. Identifiers: MedGen C1857777, MONDO:0012434, OMIM 610193.

Submissions (2):

Labcorp Genetics (formerly Invitae), Labcorp
Classification: Uncertain significance for Arrhythmogenic right ventricular dysplasia 10. Last evaluated: 2025-12-26. Review status: criteria provided, single submitter. Criteria: Invitae Variant Classification Sherloc (09022015). Collection method: clinical testing. Allele origin: germline.
Comment: This sequence change replaces proline, which is neutral and non-polar, with glutamine, which is neutral and polar, at codon 537 of the DSG2 protein (p.Pro537Gln). This variant is not present in population databases (gnomAD no frequency). This variant has not been reported in the literature in individuals affected with DSG2-related conditions. ClinVar contains an entry for this variant (Variation ID: 653613). Invitae Evidence Modeling of protein sequence and biophysical properties (such as structural, functional, and spatial information, amino acid conservation, physicochemical variation, residue mobility, and thermodynamic stability) has been performed for this missense variant. However, the output from this modeling did not meet the statistical confidence thresholds required to predict the impact of this variant on DSG2 protein function. In summary, the available evidence is currently insufficient to determine the role of this variant in disease. Therefore, it has been classified as a Variant of Uncertain Significance.

Ambry Genetics
Classification: Uncertain significance for Cardiovascular phenotype. Last evaluated: 2024-10-19. Review status: criteria provided, single submitter. Criteria: Ambry Variant Classification Scheme 2023. Collection method: clinical testing. Allele origin: germline.
Comment: The p.P537Q variant (also known as c.1610C>A), located in coding exon 11 of the DSG2 gene, results from a C to A substitution at nucleotide position 1610. The proline at codon 537 is replaced by glutamine, an amino acid with similar properties. This amino acid position is conserved. In addition, the in silico prediction for this alteration is inconclusive. Based on the available evidence, the clinical significance of this variant remains unclear.

NM_001943.5(DSG2):c.1610C>A (p.Pro537Gln)

Gene: DSG2 (desmoglein 2; plus strand). Cytogenetic location: 18q12.1.
Variant type: single nucleotide variant.
Coding change: c.1610C>A on transcript NM_001943.5 (MANE Select); coding-DNA position 1610, C replaced by A.
Protein change: p.Pro537Gln; replaces proline 537 with glutamine.
Molecular consequence: missense variant.
Genome position (GRCh38, 1-based): chr18:31,536,388, C>A. VCF-style: chr18-31536388-C-A. GRCh37 (hg19) VCF-style: chr18-29116351-C-A.
Other names: c.1610C>A (LRG_397t1); short protein forms P537Q.
Identifiers: ClinVar variation 653613 (VCV000653613.9), dbSNP rs1598819817, ClinGen allele CA402142063.